The following is an entry in ClinVar:

NM_000336.3(SCNN1B):c.1642G>A (p.Val548Met)

Gene: SCNN1B (sodium channel epithelial 1 subunit beta; plus strand). Cytogenetic location: 16p12.2.
Variant type: single nucleotide variant.
Coding change: c.1642G>A on transcript NM_000336.3 (MANE Select); coding-DNA position 1642, G replaced by A.
Protein change: p.Val548Met; replaces valine 548 with methionine.
Molecular consequence: missense variant.
Genome position (GRCh38, 1-based): chr16:23,380,520, G>A. VCF-style: chr16-23380520-G-A. GRCh37 (hg19) VCF-style: chr16-23391841-G-A.
Other names: c.1534G>A, p.Val512Met (NM_001410900.1); short protein forms V512M, V548M.
Identifiers: ClinVar variation 2701628 (VCV002701628.4), dbSNP rs764818802, ClinGen allele CA7960598.
Genomic context (GRCh38, chr16:23,380,520, plus strand): 5'-TTCTGGATGGGGGGCTCTGTGCTGTGCCTCATCGAGTTTGGGGAGATCATCATCGACTTT[G>A]TGTGGATCACCATCATCAAGCTGGTGGCCTTGGCCAAGAGCCTACGGCAGCGGCGAGCCC-3'
Protein context (NP_000327.2, residues 538-558): IEFGEIIIDF[Val548Met]WITIIKLVAL

ClinVar aggregate classification (germline): Uncertain significance. Review status: criteria provided, multiple submitters, no conflicts (2 of 4 stars). 2 submissions from 2 submitters: Uncertain significance (2). Last evaluated 2024-06-18.

Conditions:
Pseudohypoaldosteronism, type IB2, autosomal recessive (PHA1B2). Identifiers: MedGen C5774255, MONDO:0859317, OMIM 620125.
Bronchiectasis with or without elevated sweat chloride 1 (BESC1). Also called: Cystic Fibrosis-Like Syndrome. Identifiers: Orphanet 60033, MedGen C2749757, MONDO:0008887, OMIM 211400.
Liddle syndrome 1 (LIDLS1). Also called: PSEUDOALDOSTERONISM. Identifiers: Orphanet 526, MedGen CN031472, MONDO:0020607, OMIM 177200.

Allele frequency attached by ClinVar (database versions not stated): gnomAD exomes 0.00001; ExAC 0.00002; TOPMed 0.00002; gnomAD 0.00003.
gnomAD v4.1: 18 of 1,614,244 alleles (0.0011%); highest among the groups gnomAD compares: East Asian, 0.031%; 1 homozygote.

Submissions (2):

Fulgent Genetics
Classification: Uncertain significance for Liddle syndrome 1; Bronchiectasis with or without elevated sweat chloride 1; Pseudohypoaldosteronism, type IB2, autosomal recessive. Last evaluated: 2024-06-18. Review status: criteria provided, single submitter. Criteria: ACMG Guidelines, 2015. Collection method: clinical testing. Allele origin: germline.

Labcorp Genetics (formerly Invitae), Labcorp
Classification: Uncertain significance. Last evaluated: 2023-07-06. Review status: criteria provided, single submitter. Criteria: Invitae Variant Classification Sherloc (09022015). Collection method: clinical testing. Allele origin: germline.
Comment: This sequence change replaces valine, which is neutral and non-polar, with methionine, which is neutral and non-polar, at codon 548 of the SCNN1B protein (p.Val548Met). This variant is present in population databases (rs764818802, gnomAD 0.04%). This missense change has been observed in individual(s) with early-onset hypertension (PMID: 28915228). Advanced modeling of protein sequence and biophysical properties (such as structural, functional, and spatial information, amino acid conservation, physicochemical variation, residue mobility, and thermodynamic stability) performed at Invitae indicates that this missense variant is not expected to disrupt SCNN1B protein function. In summary, the available evidence is currently insufficient to determine the role of this variant in disease. Therefore, it has been classified as a Variant of Uncertain Significance.

Literature cited by the submitters: PubMed 28915228 (cited by Labcorp Genetics (formerly Invitae), Labcorp).